The following is an entry in ClinVar:

NM_001267550.2(TTN):c.104031G>C (p.Glu34677Asp)

Genes: TTN-AS1 (TTN antisense RNA 1; plus strand), TTN (titin; minus strand). Cytogenetic location: 2q31.2.
Variant type: single nucleotide variant.
Coding change: c.104031G>C on transcript NM_001267550.2 (MANE Select); coding-DNA position 104031, G replaced by C.
Protein change: p.Glu34677Asp; replaces glutamic acid 34677 with aspartic acid.
Molecular consequence: missense variant.
Genome position (GRCh38, 1-based): chr2:178,532,584, C>G on the plus strand (G>C on the coding strand, the complement: TTN is on the minus strand). VCF-style: chr2-178532584-C-G. GRCh37 (hg19) VCF-style: chr2-179397311-C-G.
Other names: p.Glu33036Asp; c.99108G>C, p.Glu33036Asp (NM_001256850.1); c.76836G>C, p.Glu25612Asp (NM_003319.4); c.96327G>C, p.Glu32109Asp (NM_133378.4); c.77211G>C, p.Glu25737Asp (NM_133432.3); c.77412G>C, p.Glu25804Asp (NM_133437.4); short protein forms E32109D, E25612D, E25804D, E33036D, E25737D, E34677D.
Identifiers: ClinVar variation 1373579 (VCV001373579.7), dbSNP rs2154134425, ClinGen allele CA349412710.

ClinVar aggregate classification (germline): Uncertain significance. Review status: criteria provided, multiple submitters, no conflicts (2 of 4 stars). 2 submissions from 2 submitters: Uncertain significance (2). Last evaluated 2022-03-18.

Conditions:
Dilated cardiomyopathy 1G (CMD1G). Identifiers: Orphanet 154, MedGen C1858763, MONDO:0011400, OMIM 604145.
Autosomal recessive limb-girdle muscular dystrophy type 2J (LGMDR10). Also called: Limb-girdle muscular dystrophy, type 2J; MUSCULAR DYSTROPHY, LIMB-GIRDLE, AUTOSOMAL RECESSIVE 10. Identifiers: Orphanet 140922, MedGen C1837342, MONDO:0012127, OMIM 608807.

Submissions (2):

Labcorp Genetics (formerly Invitae), Labcorp
Classification: Uncertain significance for Dilated cardiomyopathy 1G; Autosomal recessive limb-girdle muscular dystrophy type 2J. Last evaluated: 2022-03-18. Review status: criteria provided, single submitter. Criteria: Invitae Variant Classification Sherloc (09022015). Collection method: clinical testing. Allele origin: germline.
Comment: This sequence change replaces glutamic acid with aspartic acid at codon 34677 of the TTN protein (p.Glu34677Asp). There is a small physicochemical difference between glutamic acid and aspartic acid. This variant is not present in population databases (gnomAD no frequency). This variant has not been reported in the literature in individuals affected with TTN-related conditions. Experimental studies and prediction algorithms are not available or were not evaluated, and the functional significance of this variant is currently unknown. This variant is located in the M band of TTN (PMID: 25589632). Variants in this region may be relevant for neuromuscular disorders, but have not been definitively shown to cause cardiomyopathy (PMID: 23975875). In summary, the available evidence is currently insufficient to determine the role of this variant in disease. Therefore, it has been classified as a Variant of Uncertain Significance.

Mayo Clinic Laboratories, Mayo Clinic
Classification: Uncertain significance. Last evaluated: 2022-02-10. Review status: criteria provided, single submitter. Criteria: ACMG Guidelines, 2015. Collection method: clinical testing. Allele origin: germline. Observed: 1 variant allele.
Comment: BP4, PM2

Literature cited by the submitters: PubMed 25589632 (cited by Labcorp Genetics (formerly Invitae), Labcorp); PubMed 23975875 (cited by Labcorp Genetics (formerly Invitae), Labcorp).